The following is an entry in ClinVar:

NM_152594.3(SPRED1):c.8A>T (p.Glu3Val)

Gene: SPRED1 (sprouty related EVH1 domain containing 1; plus strand). Cytogenetic location: 15q14.
Variant type: single nucleotide variant.
Coding change: c.8A>T on transcript NM_152594.3 (MANE Select); coding-DNA position 8, A replaced by T.
Protein change: p.Glu3Val; replaces glutamic acid 3 with valine.
Molecular consequence: missense variant.
Genome position (GRCh38, 1-based): chr15:38,253,193, A>T. VCF-style: chr15-38253193-A-T. GRCh37 (hg19) VCF-style: chr15-38545394-A-T.
Other names: short protein forms E3V.
Identifiers: ClinVar variation 3800936 (VCV003800936.1).

ClinVar aggregate classification (germline): Uncertain significance (1 of 4 stars; one submission).

Conditions:
Cardiovascular phenotype. Identifiers: MedGen CN230736.

gnomAD v4.1: 1 of 1,580,624 alleles (0.000063%); highest among the groups gnomAD compares: Non-Finnish European, 0.000086%; no homozygotes.

Submission:

Ambry Genetics
Classification: Uncertain significance for Cardiovascular phenotype. Last evaluated: 2025-03-14. Review status: criteria provided, single submitter. Criteria: Ambry Variant Classification Scheme 2023. Collection method: clinical testing. Allele origin: germline.
Comment: The p.E3V variant (also known as c.8A>T), located in coding exon 1 of the SPRED1 gene, results from an A to T substitution at nucleotide position 8. The glutamic acid at codon 3 is replaced by valine, an amino acid with dissimilar properties. This amino acid position is conserved. In addition, the in silico prediction for this alteration is inconclusive. Based on the available evidence, the clinical significance of this variant remains unclear.